The following is an entry in ClinVar:

NM_001080467.3(MYO5B):c.5106C>T (p.Asp1702=)

Genes: MYO5B (myosin VB; minus strand), SNHG22 (small nucleolar RNA host gene 22; plus strand). Cytogenetic location: 18q21.1.
Variant type: single nucleotide variant.
Coding change: c.5106C>T on transcript NM_001080467.3 (MANE Select); coding-DNA position 5106, C replaced by T.
Protein change: p.Asp1702=; no amino-acid change (aspartic acid 1702 retained).
Molecular consequence: synonymous variant.
Genome position (GRCh38, 1-based): chr18:49,837,549, G>A on the plus strand (C>T on the coding strand, the complement: MYO5B is on the minus strand). VCF-style: chr18-49837549-G-A. GRCh37 (hg19) VCF-style: chr18-47363919-G-A.
Other names: c.5106C>T (NM_001080467.2).
Identifiers: ClinVar variation 1606864 (VCV001606864.9), dbSNP rs200907103, ClinGen allele CA8960145.

ClinVar aggregate classification (germline): Likely benign. Review status: criteria provided, single submitter (1 of 4 stars). 2 submissions from 2 submitters: Likely benign (1). 1 of the submissions does not count toward it. Last evaluated 2022-03-04.

Conditions:
MYO5B-related disorder. Also called: MYO5B-related condition.

Allele frequency attached by ClinVar (database versions not stated): gnomAD exomes below 0.00001 and 0.00001; ExAC 0.00001; gnomAD 0.00001; TOPMed 0.00005; 1000 Genomes Project 0.00020; 1000 Genomes Project 30x 0.00031.
gnomAD v4.1: 13 of 1,613,944 alleles (0.00081%); highest among the groups gnomAD compares: South Asian, 0.0033%; no homozygotes.

Submissions (2):

Labcorp Genetics (formerly Invitae), Labcorp
Classification: Likely benign. Last evaluated: 2022-03-04. Review status: criteria provided, single submitter. Criteria: Invitae Variant Classification Sherloc (09022015). Collection method: clinical testing. Allele origin: germline.

PreventionGenetics, part of Exact Sciences
Classification: Likely benign for MYO5B-related condition. Last evaluated: 2024-04-17. Review status: no assertion criteria provided. Collection method: clinical testing. Allele origin: germline. Not counted in ClinVar's aggregate classification.
Comment: This variant is classified as likely benign based on ACMG/AMP sequence variant interpretation guidelines (Richards et al. 2015 PMID: 25741868, with internal and published modifications).